The following is an entry in ClinVar:

ClinVar aggregate classification (germline): Pathogenic (1 of 4 stars; one submission).

Conditions:
Hereditary cancer-predisposing syndrome. Also called: Tumor predisposition; Hereditary Cancer Syndrome; Neoplastic Syndromes, Hereditary; Hereditary neoplastic syndrome. Identifiers: Orphanet 140162, MedGen C0027672, MeSH D009386, MONDO:0015356.

Submission:

Ambry Genetics
Classification: Pathogenic for Hereditary cancer-predisposing syndrome. Last evaluated: 2021-03-22. Review status: criteria provided, single submitter. Criteria: Ambry Variant Classification Scheme 2023. Collection method: clinical testing. Allele origin: germline.
Comment: The c.285dupT pathogenic mutation, located in coding exon 3 of the BRIP1 gene, results from a duplication of T at nucleotide position 285, causing a translational frameshift with a predicted alternate stop codon (p.T96Yfs*4). This alteration is expected to result in loss of function by premature protein truncation or nonsense-mediated mRNA decay. As such, this alteration is interpreted as a disease-causing mutation.

NM_032043.3(BRIP1):c.285dup (p.Thr96fs)

Gene: BRIP1 (BRCA1 interacting DNA helicase 1; minus strand). Cytogenetic location: 17q23.2.
Variant type: Duplication.
Coding change: c.285dup on transcript NM_032043.3 (MANE Select); coding-DNA position 285, one base duplicated (T; older notation c.285dupT).
Protein change: p.Thr96fs; shifts the reading frame from threonine 96.
Molecular consequence: frameshift variant.
Genome position (GRCh38, 1-based): chr17:61,857,152, A duplicated on the plus strand (T on the coding strand, the reverse complement: BRIP1 is on the minus strand); the first of 4 consecutive A bases (chr17:61,857,152-61,857,155); duplicating any one gives the same sequence. VCF-style (leftmost placement, unchanged base first): chr17-61857151-T-TA. GRCh37 (hg19) VCF-style: chr17-59934512-T-TA.
Other names: c.285dupT (NM_032043.2); short protein forms T96fs.
Identifiers: ClinVar variation 1796931 (VCV001796931.2), dbSNP rs1350433372, ClinGen allele CA2580094491.
Genomic context (GRCh38, chr17:61,857,151, plus strand): 5'-AAGGTGGTGTGCTTGGATAGTTGAAATGACGTGAAGTTCCTTGGTTCATGTCATTGTTTG[T>TA]AAAATCCTTTGAATGGCATGCACAACAACATGACAATTGTACTTCAGCTTTTTCACTTAC-3'